The following is an entry in ClinVar:

ClinVar aggregate classification (germline): Uncertain significance. Review status: criteria provided, multiple submitters, no conflicts (2 of 4 stars). 3 submissions from 3 submitters: Uncertain significance (3). Last evaluated 2024-12-03.

Conditions:
Renal cell carcinoma. Identifiers: Orphanet 217071, MedGen C0007134, MeSH D002292, MONDO:0005086, HP:0005584.
Hereditary cancer-predisposing syndrome. Also called: Hereditary Cancer Syndrome; Hereditary neoplastic syndrome; Neoplastic Syndromes, Hereditary; Tumor predisposition. Identifiers: Orphanet 140162, MedGen C0027672, MeSH D009386, MONDO:0015356.

Allele frequency attached by ClinVar (database versions not stated): TOPMed below 0.00001; gnomAD 0.00001.

Submissions (3):

Ambry Genetics
Classification: Uncertain significance for Hereditary cancer-predisposing syndrome. Last evaluated: 2024-12-03. Review status: criteria provided, single submitter. Criteria: Ambry Variant Classification Scheme 2023. Collection method: clinical testing. Allele origin: germline.
Comment: The p.L1335Q variant (also known as c.4004T>A), located in coding exon 20 of the MET gene, results from a T to A substitution at nucleotide position 4004. The leucine at codon 1335 is replaced by glutamine, an amino acid with dissimilar properties. This amino acid position is well conserved in available vertebrate species. In addition, this alteration is predicted to be deleterious by in silico analysis. Based on the available evidence, the clinical significance of this variant remains unclear.

GeneDx
Classification: Uncertain significance. Last evaluated: 2024-02-20. Review status: criteria provided, single submitter. Criteria: GeneDx Variant Classification Process June 2021. Collection method: clinical testing. Allele origin: germline. Affected: yes.
Comment: Not observed at a significant frequency in large population cohorts (gnomAD); In silico analysis supports that this missense variant has a deleterious effect on protein structure/function; Has not been previously published as pathogenic or benign to our knowledge

Labcorp Genetics (formerly Invitae), Labcorp
Classification: Uncertain significance for Renal cell carcinoma. Last evaluated: 2017-02-02. Review status: criteria provided, single submitter. Criteria: Invitae Variant Classification Sherloc (09022015). Collection method: clinical testing. Allele origin: germline.
Comment: In summary, this variant is a novel missense change with uncertain impact on protein function. It has been classified as a Variant of Uncertain Significance. Algorithms developed to predict the effect of missense changes on protein structure and function do not agree on the potential impact of this missense change (SIFT: "Tolerated"; PolyPhen-2: "Probably Damaging"; Align-GVGD: "Class C0"). This variant is not present in population databases (ExAC no frequency) and has not been reported in the literature in individuals with a MET-related disease. This sequence change replaces leucine with glutamine at codon 1335 of the MET protein (p.Leu1335Gln). The leucine residue is moderately conserved and there is a moderate physicochemical difference between leucine and glutamine.

NM_000245.4(MET):c.3950T>A (p.Leu1317Gln)

Gene: MET (MET proto-oncogene, receptor tyrosine kinase; plus strand). Cytogenetic location: 7q31.2.
Variant type: single nucleotide variant.
Coding change: c.3950T>A on transcript NM_000245.4 (MANE Select); coding-DNA position 3950, T replaced by A.
Protein change: p.Leu1317Gln; replaces leucine 1317 with glutamine.
Molecular consequence: missense variant.
Genome position (GRCh38, 1-based): chr7:116,795,901, T>A. VCF-style: chr7-116795901-T-A. GRCh37 (hg19) VCF-style: chr7-116435955-T-A.
Other names: c.4004T>A (LRG_662t1); c.4004T>A, p.Leu1335Gln (NM_001127500.3); c.2660T>A, p.Leu887Gln (NM_001324402.2); short protein forms L1335Q, L1317Q, L887Q.
Identifiers: ClinVar variation 454249 (VCV000454249.18), dbSNP rs1159812687, ClinGen allele CA369118074.